The following is an entry in ClinVar:

ClinVar aggregate classification (germline): Likely benign. Review status: criteria provided, multiple submitters, no conflicts (2 of 4 stars). 3 submissions from 3 submitters: Likely benign (3). Last evaluated 2026-01-29.

Conditions:
Kabuki syndrome. Also called: Kabuki make-up syndrome; NIIKAWA-KUROKI SYNDROME. Identifiers: Orphanet 2322, MedGen C0796004, MONDO:0016512.
Kabuki syndrome 1 (KABUK1). Also called: KMT2D-Related Kabuki Syndrome. Identifiers: Orphanet 2322, MedGen CN030661, MONDO:0007843, OMIM 147920.
KMT2D-related disorder. Also called: KMT2D-Related Disorders.

Allele frequency attached by ClinVar (database versions not stated): gnomAD exomes 0.00008 and 0.00004; ExAC 0.00009; gnomAD 0.00001; TOPMed 0.00002.
gnomAD v4.1: 25 of 1,613,596 alleles (0.0015%); highest among the groups gnomAD compares: Admixed American, 0.04%; no homozygotes.

Submissions (3):

Labcorp Genetics (formerly Invitae), Labcorp
Classification: Likely benign for Kabuki syndrome. Last evaluated: 2026-01-29. Review status: criteria provided, single submitter. Criteria: Invitae Variant Classification Sherloc (09022015). Collection method: clinical testing. Allele origin: germline.

PreventionGenetics, part of Exact Sciences
Classification: Likely benign for KMT2D-related condition. Last evaluated: 2025-06-10. Review status: criteria provided, single submitter. Criteria: ACMG Guidelines, 2015. Collection method: clinical testing. Allele origin: germline.
Comment: This variant is classified as likely benign based on ACMG/AMP sequence variant interpretation guidelines (Richards et al. 2015 PMID: 25741868, with internal and published modifications).

Center for Human Genetics, Inc
Classification: Likely benign for Kabuki syndrome 1. Last evaluated: 2016-11-01. Review status: criteria provided, single submitter. Criteria: ACMG Guidelines, 2015. Collection method: clinical testing. Allele origin: germline. Affected: yes.

NM_003482.4(KMT2D):c.7589C>T (p.Thr2530Ile)

Gene: KMT2D (lysine methyltransferase 2D; minus strand). Cytogenetic location: 12q13.12.
Variant type: single nucleotide variant.
Coding change: c.7589C>T on transcript NM_003482.4 (MANE Select); coding-DNA position 7589, C replaced by T.
Protein change: p.Thr2530Ile; replaces threonine 2530 with isoleucine.
Molecular consequence: missense variant.
Genome position (GRCh38, 1-based): chr12:49,040,181, G>A on the plus strand (C>T on the coding strand, the complement: KMT2D is on the minus strand). VCF-style: chr12-49040181-G-A. GRCh37 (hg19) VCF-style: chr12-49433964-G-A.
Other names: short protein forms T2530I.
Identifiers: ClinVar variation 547449 (VCV000547449.9), dbSNP rs773982820, ClinGen allele CA6547032.